The following is an entry in ClinVar:

NM_004278.4(PIGL):c.611C>T (p.Thr204Met)

Gene: PIGL (phosphatidylinositol glycan anchor biosynthesis class L; plus strand). Cytogenetic location: 17p11.2.
Variant type: single nucleotide variant.
Coding change: c.611C>T on transcript NM_004278.4 (MANE Select); coding-DNA position 611, C replaced by T.
Protein change: p.Thr204Met; replaces threonine 204 with methionine.
Molecular consequence: missense variant. On other transcripts: synonymous variant (1).
Genome position (GRCh38, 1-based): chr17:16,317,859, C>T. VCF-style: chr17-16317859-C-T. GRCh37 (hg19) VCF-style: chr17-16221173-C-T.
Other names: c.579C>T, p.Tyr193= (NM_001411072.1); c.611C>T (NM_004278.3); short protein forms T204M.
Identifiers: ClinVar variation 2057710 (VCV002057710.2), dbSNP rs374224976, ClinGen allele CA8410001.
Genomic context (GRCh38, chr17:16,317,859, plus strand): 5'-CTGTGAATGTGCTGCGCAAGTACATCTCCCTTCTGGATCTGCCCTTGTCTCTGCTTCATA[C>T]GCAGGATGTCCTCTTCGTGCTCAACAGCAAAGAAGTGGCACAGGCCAAGGTGAGGATTGT-3'
Protein context (NP_004269.1, residues 194-214): LLDLPLSLLH[Thr204Met]QDVLFVLNSK

ClinVar aggregate classification (germline): Uncertain significance. Review status: criteria provided, multiple submitters, no conflicts (2 of 4 stars). 2 submissions from 2 submitters: Uncertain significance (2). Last evaluated 2024-03-04.

Conditions:
Inborn genetic diseases. Identifiers: MedGen C0950123, MeSH D030342.

gnomAD v4.1: 50 of 1,613,940 alleles (0.0031%); highest among the groups gnomAD compares: South Asian, 0.023%; no homozygotes.

Submissions (2):

Ambry Genetics
Classification: Uncertain significance for Inborn genetic diseases. Last evaluated: 2024-03-04. Review status: criteria provided, single submitter. Criteria: Ambry Variant Classification Scheme 2023. Collection method: clinical testing. Allele origin: germline.

Labcorp Genetics (formerly Invitae), Labcorp
Classification: Uncertain significance. Last evaluated: 2022-06-11. Review status: criteria provided, single submitter. Criteria: Invitae Variant Classification Sherloc (09022015). Collection method: clinical testing. Allele origin: germline.
Comment: This sequence change replaces threonine, which is neutral and polar, with methionine, which is neutral and non-polar, at codon 204 of the PIGL protein (p.Thr204Met). This variant is present in population databases (rs374224976, gnomAD 0.02%). This variant has not been reported in the literature in individuals affected with PIGL-related conditions. Algorithms developed to predict the effect of missense changes on protein structure and function are either unavailable or do not agree on the potential impact of this missense change (SIFT: "Deleterious"; PolyPhen-2: "Benign"; Align-GVGD: "Class C0"). In summary, the available evidence is currently insufficient to determine the role of this variant in disease. Therefore, it has been classified as a Variant of Uncertain Significance.